The following is an entry in ClinVar:

NM_006445.4(PRPF8):c.5207C>T (p.Ala1736Val)

Gene: PRPF8 (pre-mRNA processing factor 8; minus strand). Cytogenetic location: 17p13.3.
Variant type: single nucleotide variant.
Coding change: c.5207C>T on transcript NM_006445.4 (MANE Select); coding-DNA position 5207, C replaced by T.
Protein change: p.Ala1736Val; replaces alanine 1736 with valine.
Molecular consequence: missense variant.
Genome position (GRCh38, 1-based): chr17:1,658,695, G>A on the plus strand (C>T on the coding strand, the complement: PRPF8 is on the minus strand). VCF-style: chr17-1658695-G-A. GRCh37 (hg19) VCF-style: chr17-1561989-G-A.
Other names: short protein forms A1736V.
Identifiers: ClinVar variation 2577551 (VCV002577551.1), dbSNP rs2543727617, ClinGen allele CA397573194.

ClinVar aggregate classification (germline): Uncertain significance (1 of 4 stars; one submission).

Submission:

GeneDx
Classification: Uncertain significance. Last evaluated: 2023-02-24. Review status: criteria provided, single submitter. Criteria: GeneDx Variant Classification Process June 2021. Collection method: clinical testing. Allele origin: germline. Affected: yes.
Comment: Not observed at significant frequency in large population cohorts (gnomAD); In silico analysis supports that this missense variant has a deleterious effect on protein structure/function; In silico analysis supports a deleterious effect on splicing; Has not been previously published as pathogenic or benign to our knowledge